The following is an entry in ClinVar:

NM_007194.4(CHEK2):c.880G>A (p.Ala294Thr)

Gene: CHEK2 (checkpoint kinase 2; minus strand). Cytogenetic location: 22q12.1.
Variant type: single nucleotide variant.
Coding change: c.880G>A on transcript NM_007194.4 (MANE Select); coding-DNA position 880, G replaced by A.
Protein change: p.Ala294Thr; replaces alanine 294 with threonine.
Molecular consequence: missense variant.
Genome position (GRCh38, 1-based): chr22:28,703,533, C>T on the plus strand (G>A on the coding strand, the complement: CHEK2 is on the minus strand). VCF-style: chr22-28703533-C-T. GRCh37 (hg19) VCF-style: chr22-29099521-C-T.
Other names: c.1009G>A, p.Ala337Thr (NM_001005735.3); c.217G>A, p.Ala73Thr (NM_001257387.3); c.679G>A, p.Ala227Thr (NM_001349956.3); c.880G>A, p.Ala294Thr (NM_145862.3); short protein forms A227T, A294T, A337T, A73T.
Identifiers: ClinVar variation 1048931 (VCV001048931.2), dbSNP rs2145877658, ClinGen allele CA411101129.

ClinVar aggregate classification (germline): Uncertain significance (0 of 4 stars; one submission).

Conditions:
Malignant tumor of breast. Also called: Malignant breast neoplasm; Cancer breast. Identifiers: MedGen C0006142, MONDO:0007254. Disease mechanism: loss of function.

Submission:

Department of Pathology and Laboratory Medicine, Sinai Health System
Classification: Uncertain significance for Malignant tumor of breast. Review status: no assertion criteria provided. Collection method: clinical testing. Allele origin: unknown. Affected: yes. Study: The Canadian Open Genetics Repository (COGR).
Comment: The CHEK2 p.Ala294Thr variant was not identified in the literature nor was it identified in the dbSNP or ClinVar databases. The variant was not identified in the following control databases: the Exome Aggregation Consortium (August 8th 2016) or the Genome Aggregation Database (Feb 27, 2017). The p.Ala294 residue is not conserved in mammals and four out of five computational analyses (PolyPhen-2, SIFT, AlignGVGD, BLOSUM, MutationTaster) do not suggest a high likelihood of impact to the protein; however, this information is not predictive enough to rule out pathogenicity. The variant occurs outside of the splicing consensus sequence and in silico or computational prediction software programs (SpliceSiteFinder, MaxEntScan, NNSPLICE, GeneSplicer) do not predict a difference in splicing. In summary, based on the above information, the clinical significance of this variant cannot be determined with certainty at this time. This variant is classified as a variant of uncertain significance.